The following is an entry in ClinVar:

NM_177972.3(TUB):c.166C>T (p.Pro56Ser)

Gene: TUB (TUB bipartite transcription factor; plus strand). Cytogenetic location: 11p15.4.
Variant type: single nucleotide variant.
Coding change: c.166C>T on transcript NM_177972.3 (MANE Select); coding-DNA position 166, C replaced by T.
Protein change: p.Pro56Ser; replaces proline 56 with serine.
Molecular consequence: missense variant.
Genome position (GRCh38, 1-based): chr11:8,090,144, C>T. VCF-style: chr11-8090144-C-T. GRCh37 (hg19) VCF-style: chr11-8111691-C-T.
Other names: c.331C>T, p.Pro111Ser (NM_003320.5); short protein forms P111S, P56S.
Identifiers: ClinVar variation 3346095 (VCV003346095.1).
Genomic context (GRCh38, chr11:8,090,144, plus strand): 5'-CAGAAGCAGAAGAAGAAGCGCCAGGAGCCCCTGATGGTGCAGGCCAATGCAGATGGGCGG[C>T]CCCGGAGCCGGCGGGCCCGGCAGTCAGAGGAACAAGCCCCCCTGGTGGAGTCCTACCTCA-3'
Protein context (NP_813977.1, residues 46-66): LMVQANADGR[Pro56Ser]RSRRARQSEE

ClinVar aggregate classification (germline): Uncertain significance (0 of 4 stars; one submission).

Conditions:
TUB-related disorder. Also called: TUB-related condition.

gnomAD v4.1: 2 of 1,613,588 alleles (0.00012%); highest among the groups gnomAD compares: Non-Finnish European, 0.00017%; no homozygotes.

Submission:

PreventionGenetics, part of Exact Sciences
Classification: Uncertain significance for TUB-related condition. Last evaluated: 2024-06-07. Review status: no assertion criteria provided. Collection method: clinical testing. Allele origin: germline.
Comment: The TUB c.331C>T variant is predicted to result in the amino acid substitution p.Pro111Ser. To our knowledge, this variant has not been reported in the literature. This variant is reported in 0.00091% of alleles in individuals of European (Non-Finnish) descent in gnomAD. At this time, the clinical significance of this variant is uncertain due to the absence of conclusive functional and genetic evidence.